The following is an entry in ClinVar:

ClinVar aggregate classification (germline): Uncertain significance (1 of 4 stars; one submission).

Allele frequency attached by ClinVar (database versions not stated): gnomAD exomes below 0.00001; TOPMed below 0.00001; gnomAD 0.00001; ExAC 0.00003; 1000 Genomes Project 30x 0.00031; 1000 Genomes Project 0.00040.
gnomAD v4.1: 8 of 1,614,256 alleles (0.0005%); highest among the groups gnomAD compares: East Asian, 0.018%; no homozygotes.

Submission:

Labcorp Genetics (formerly Invitae), Labcorp
Classification: Uncertain significance. Last evaluated: 2023-07-18. Review status: criteria provided, single submitter. Criteria: Invitae Variant Classification Sherloc (09022015). Collection method: clinical testing. Allele origin: germline.
Comment: This variant is present in population databases (rs181578247, gnomAD 0.03%). This variant has not been reported in the literature in individuals affected with REST-related conditions. ClinVar contains an entry for this variant (Variation ID: 2181051). An algorithm developed to predict the effect of missense changes on protein structure and function (PolyPhen-2) suggests that this variant is likely to be tolerated. In summary, the available evidence is currently insufficient to determine the role of this variant in disease. Therefore, it has been classified as a Variant of Uncertain Significance. This sequence change replaces aspartic acid, which is acidic and polar, with glycine, which is neutral and non-polar, at codon 847 of the REST protein (p.Asp847Gly).

NM_005612.5(REST):c.2540A>G (p.Asp847Gly)

Gene: REST (RE1 silencing transcription factor; plus strand). Cytogenetic location: 4q12.
Variant type: single nucleotide variant.
Coding change: c.2540A>G on transcript NM_005612.5 (MANE Select); coding-DNA position 2540, A replaced by G.
Protein change: p.Asp847Gly; replaces aspartic acid 847 with glycine.
Molecular consequence: missense variant.
Genome position (GRCh38, 1-based): chr4:56,931,398, A>G. VCF-style: chr4-56931398-A-G. GRCh37 (hg19) VCF-style: chr4-57797564-A-G.
Other names: c.2540A>G, p.Asp847Gly (NM_001193508.2, NM_001363453.3); short protein forms D847G.
Identifiers: ClinVar variation 2181051 (VCV002181051.4), dbSNP rs181578247, ClinGen allele CA2932508.